The following is an entry in ClinVar:

ClinVar aggregate classification (germline): Uncertain significance (1 of 4 stars; one submission).

Conditions:
Multiple endocrine neoplasia, type 2 (MEN2). Identifiers: Orphanet 653, MedGen C4048306, MONDO:0019003. Disease mechanism: gain of function.

Submission:

Labcorp Genetics (formerly Invitae), Labcorp
Classification: Uncertain significance for Multiple endocrine neoplasia, type 2. Last evaluated: 2019-12-19. Review status: criteria provided, single submitter. Criteria: Invitae Variant Classification Sherloc (09022015). Collection method: clinical testing. Allele origin: germline.
Comment: This variant has not been reported in the literature in individuals with RET-related conditions. In summary, the available evidence is currently insufficient to determine the role of this variant in disease. Therefore, it has been classified as a Variant of Uncertain Significance. Algorithms developed to predict the effect of missense changes on protein structure and function (SIFT, PolyPhen-2, Align-GVGD) all suggest that this variant is likely to be tolerated, but these predictions have not been confirmed by published functional studies and their clinical significance is uncertain. This variant is not present in population databases (ExAC no frequency). This sequence change replaces alanine with serine at codon 672 of the RET protein (p.Ala672Ser). The alanine residue is highly conserved and there is a moderate physicochemical difference between alanine and serine.

NM_020975.6(RET):c.2014G>T (p.Ala672Ser)

Gene: RET (ret proto-oncogene; plus strand). Cytogenetic location: 10q11.21.
Variant type: single nucleotide variant.
Coding change: c.2014G>T on transcript NM_020975.6 (MANE Select); coding-DNA position 2014, G replaced by T.
Protein change: p.Ala672Ser; replaces alanine 672 with serine.
Molecular consequence: missense variant.
Genome position (GRCh38, 1-based): chr10:43,114,614, G>T. VCF-style: chr10-43114614-G-T. GRCh37 (hg19) VCF-style: chr10-43610062-G-T.
Other names: c.2014G>T, p.Ala672Ser (NM_000323.2, NM_001406743.1, NM_001406744.1 and 4 more transcripts); c.1252G>T, p.Ala418Ser (NM_001355216.2); c.1885G>T, p.Ala629Ser (NM_001406761.1, NM_001406762.1, NM_001406764.1); c.1726G>T, p.Ala576Ser (NM_001406766.1, NM_001406767.1, NM_001406770.1); c.1618G>T, p.Ala540Ser (NM_001406769.1, NM_001406772.1); c.1576G>T, p.Ala526Ser (NM_001406771.1, NM_001406773.1); c.1489G>T, p.Ala497Ser (NM_001406774.1); c.1288G>T, p.Ala430Ser (NM_001406775.1, NM_001406776.1, NM_001406777.1 and 1 more transcripts); and 7 more; short protein forms A672S, A418S, A333S, A430S, A237S, A342S, A373S, A540S.
Identifiers: ClinVar variation 838707 (VCV000838707.10), dbSNP rs1838026024, ClinGen allele CA376553134.